The following is an entry in ClinVar:

NM_002880.4(RAF1):c.70G>A (p.Gly24Ser)

Gene: RAF1 (Raf-1 proto-oncogene, serine/threonine kinase; minus strand). Cytogenetic location: 3p25.2.
Variant type: single nucleotide variant.
Coding change: c.70G>A on transcript NM_002880.4 (MANE Select); coding-DNA position 70, G replaced by A.
Protein change: p.Gly24Ser; replaces glycine 24 with serine.
Molecular consequence: missense variant. On other transcripts: 5 prime UTR variant (4), non-coding transcript variant (3).
Genome position (GRCh38, 1-based): chr3:12,618,652, C>T on the plus strand (G>A on the coding strand, the complement: RAF1 is on the minus strand). VCF-style: chr3-12618652-C-T. GRCh37 (hg19) VCF-style: chr3-12660151-C-T.
Other names: c.70G>A, p.Gly24Ser (NM_001354689.3, NM_001354690.3, NM_001354693.3); c.-61G>A (NM_001354691.3, NM_001354692.3, NM_001354694.3 and 1 more transcripts); short protein forms G24S.
Identifiers: ClinVar variation 561733 (VCV000561733.12), dbSNP rs1019217338, ClinGen allele CA69576989.

ClinVar aggregate classification (germline): Uncertain significance. Review status: criteria provided, multiple submitters, no conflicts (2 of 4 stars). 4 submissions from 4 submitters: Uncertain significance (4). Last evaluated 2026-06-09.

Conditions:
RASopathy. Also called: Noonan spectrum disorder; rasopathies. Identifiers: Orphanet 536391, MedGen C5555857, MONDO:0021060.
RAF1-related disorder. Also called: RAF1-related disorders; RAF1-related condition.
Cardiovascular phenotype. Identifiers: MedGen CN230736.

Allele frequency attached by ClinVar (database versions not stated): gnomAD exomes below 0.00001 and 0.00001; gnomAD 0.00001; TOPMed 0.00003.

Submissions (4):

Ambry Genetics
Classification: Uncertain significance for Cardiovascular phenotype. Last evaluated: 2026-06-09. Review status: criteria provided, single submitter. Criteria: Ambry Variant Classification Scheme 2023. Collection method: clinical testing. Allele origin: germline.
Comment: The p.G24S variant (also known as c.70G>A), located in coding exon 1 of the RAF1 gene, results from a G to A substitution at nucleotide position 70. The glycine at codon 24 is replaced by serine, an amino acid with similar properties. This amino acid position is conserved. In addition, this alteration is predicted to be tolerated by in silico analysis. Based on the available evidence, the clinical significance of this variant remains unclear.

PreventionGenetics, part of Exact Sciences
Classification: Uncertain significance for RAF1-related condition. Last evaluated: 2025-08-04. Review status: criteria provided, single submitter. Criteria: ACMG Guidelines, 2015. Collection method: clinical testing. Allele origin: germline.
Comment: The RAF1 c.70G>A variant is predicted to result in the amino acid substitution p.Gly24Ser. To our knowledge, this variant has not been reported in the literature. This variant is reported in 0.0028% of alleles in individuals of Latino descent in gnomAD. At this time, the clinical significance of this variant is uncertain due to the absence of conclusive functional and genetic evidence.

Labcorp Genetics (formerly Invitae), Labcorp
Classification: Uncertain significance for RASopathy. Last evaluated: 2025-07-21. Review status: criteria provided, single submitter. Criteria: Invitae Variant Classification Sherloc (09022015). Collection method: clinical testing. Allele origin: germline.
Comment: This sequence change replaces glycine, which is neutral and non-polar, with serine, which is neutral and polar, at codon 24 of the RAF1 protein (p.Gly24Ser). This variant is present in population databases (no rsID available, gnomAD 0.003%). This variant has not been reported in the literature in individuals affected with RAF1-related conditions. ClinVar contains an entry for this variant (Variation ID: 561733). Invitae Evidence Modeling incorporating data from in vitro experimental studies (internal data) indicates that this missense variant is not expected to disrupt RAF1 function with a negative predictive value of 80%. In summary, the available evidence is currently insufficient to determine the role of this variant in disease. Therefore, it has been classified as a Variant of Uncertain Significance.

GeneDx
Classification: Uncertain significance. Last evaluated: 2018-02-13. Review status: criteria provided, single submitter. Criteria: GeneDx Variant Classification (06012015). Collection method: clinical testing. Allele origin: germline. Affected: yes.
Comment: The G24S variant of uncertain significance in the RAF1 gene has not been published as pathogenic or benign to our knowledge. This variant is not observed at a significant frequency in large population cohorts (Lek et al., 2016). In addition, G24S is a non-conservative amino acid substitution, which is likely to impact secondary protein structure as these residues differ in polarity, charge, size and/or other properties. However, in-silico analyses, including protein predictors and evolutionary conservation, support that this variant does not alter protein structure/function.Therefore, based on the currently available information, it is unclear whether this variant is pathogenic or rare benign.